The following is an entry in ClinVar:

NM_020975.6(RET):c.757G>A (p.Val253Met)

Gene: RET (ret proto-oncogene; plus strand). Cytogenetic location: 10q11.21.
Variant type: single nucleotide variant.
Coding change: c.757G>A on transcript NM_020975.6 (MANE Select); coding-DNA position 757, G replaced by A.
Protein change: p.Val253Met; replaces valine 253 with methionine.
Molecular consequence: missense variant.
Genome position (GRCh38, 1-based): chr10:43,105,083, G>A. VCF-style: chr10-43105083-G-A. GRCh37 (hg19) VCF-style: chr10-43600531-G-A.
Other names: c.757G>A, p.Val253Met (NM_000323.2, NM_001406743.1, NM_001406744.1 and 8 more transcripts); c.-6G>A (NM_001355216.2); c.628G>A, p.Val210Met (NM_001406761.1, NM_001406762.1, NM_001406764.1 and 2 more transcripts); c.469G>A, p.Val157Met (NM_001406766.1, NM_001406767.1, NM_001406770.1); short protein forms V253M, V210M, V157M.
Identifiers: ClinVar variation 136124 (VCV000136124.20), dbSNP rs587780816, ClinGen allele CA009343.

ClinVar aggregate classification (germline): Conflicting classifications of pathogenicity. Review status: criteria provided, conflicting classifications (1 of 4 stars). 5 submissions from 5 submitters: Uncertain significance (4); Likely benign (1). Last evaluated 2025-09-20.

Conditions:
Hereditary cancer-predisposing syndrome. Also called: Tumor predisposition; Hereditary neoplastic syndrome; Neoplastic Syndromes, Hereditary; Hereditary Cancer Syndrome. Identifiers: Orphanet 140162, MedGen C0027672, MeSH D009386, MONDO:0015356.
Multiple endocrine neoplasia, type 2 (MEN2). Identifiers: Orphanet 653, MedGen C4048306, MONDO:0019003. Disease mechanism: gain of function.
Hirschsprung disease, susceptibility to, 1 (HSCR1). Also called: RET-Related Hirschsprung Disease. Identifiers: Orphanet 388, MedGen C3888239, MONDO:0007723, OMIM 142623.

Allele frequency attached by ClinVar (database versions not stated): gnomAD exomes below 0.00001.
gnomAD v4.1: 1 of 1,611,636 alleles (0.000062%); highest among the groups gnomAD compares: Non-Finnish European, 0.000085%; no homozygotes.

Submissions (5):

Labcorp Genetics (formerly Invitae), Labcorp
Classification: Uncertain significance for Multiple endocrine neoplasia, type 2. Last evaluated: 2025-09-20. Review status: criteria provided, single submitter. Criteria: Invitae Variant Classification Sherloc (09022015). Collection method: clinical testing. Allele origin: germline.
Comment: This sequence change replaces valine, which is neutral and non-polar, with methionine, which is neutral and non-polar, at codon 253 of the RET protein (p.Val253Met). This variant is not present in population databases (gnomAD no frequency). This variant has not been reported in the literature in individuals affected with RET-related conditions. ClinVar contains an entry for this variant (Variation ID: 136124). An algorithm developed to predict the effect of missense changes on protein structure and function (PolyPhen-2) suggests that this variant is likely to be tolerated. In summary, the available evidence is currently insufficient to determine the role of this variant in disease. Therefore, it has been classified as a Variant of Uncertain Significance.

Color Diagnostics, LLC DBA Color Health
Classification: Uncertain significance for Multiple endocrine neoplasia, type 2. Last evaluated: 2025-06-19. Review status: criteria provided, single submitter. Criteria: ACMG Guidelines, 2015. Collection method: clinical testing. Allele origin: germline.
Comment: This missense variant replaces valine with methionine at codon 253 of the RET protein. Computational prediction suggests that this variant may not impact protein structure and function. To our knowledge, functional studies have not been reported for this variant. This variant has not been reported in individuals affected with RET-related disorders in the literature. This variant has not been identified in the general population by the Genome Aggregation Database (gnomAD). The available evidence is insufficient to determine the role of this variant in disease conclusively. Therefore, this variant is classified as a Variant of Uncertain Significance.

All of Us Research Program, National Institutes of Health
Classification: Uncertain significance for Multiple endocrine neoplasia, type 2. Last evaluated: 2024-04-16. Review status: criteria provided, single submitter. Criteria: ACMG Guidelines, 2015. Collection method: clinical testing. Allele origin: germline. Inheritance: Autosomal dominant inheritance. Observed: 4 variant alleles, 4 heterozygotes.
Comment: This missense variant replaces valine with methionine at codon 253 of the RET protein. Computational prediction suggests that this variant may not impact protein structure and function (internally defined REVEL score threshold <= 0.5, PMID: 27666373). To our knowledge, functional studies have not been reported for this variant. This variant has not been reported in individuals affected with RET-related disorders in the literature. This variant has not been identified in the general population by the Genome Aggregation Database (gnomAD). The available evidence is insufficient to determine the role of this variant in disease conclusively. Therefore, this variant is classified as a Variant of Uncertain Significance.

This study involves interpretation of variants in research participants for the purpose of population health screening. Participant phenotype was not available at the time of variant classification. Additional details can be found in publication PMID: 35346344, PMCID: PMC8962531

Ambry Genetics
Classification: Likely benign for Hereditary cancer-predisposing syndrome. Last evaluated: 2024-03-01. Review status: criteria provided, single submitter. Criteria: Ambry Variant Classification Scheme 2023. Collection method: clinical testing. Allele origin: germline.

Baylor Genetics
Classification: Uncertain significance for Hirschsprung disease, susceptibility to, 1. Last evaluated: 2023-06-30. Review status: criteria provided, single submitter. Criteria: ACMG Guidelines, 2015. Collection method: clinical testing. Allele origin: unknown.